The following is an entry in ClinVar:

NM_198253.3(TERT):c.3268_3274del (p.Val1090fs)

Gene: TERT (telomerase reverse transcriptase; minus strand). Cytogenetic location: 5p15.33.
Variant type: Deletion.
Coding change: c.3268_3274del on transcript NM_198253.3 (MANE Select); coding-DNA positions 3268 to 3274, 7 bases deleted (GTGCCAC; older notation c.3268_3274delGTGCCAC).
Protein change: p.Val1090fs; shifts the reading frame from valine 1090.
Molecular consequence: frameshift variant. On other transcripts: non-coding transcript variant (2).
Genome position (GRCh38, 1-based): chr5:1,254,389-1,254,395, GTGGCAC deleted on the plus strand (GTGCCAC on the coding strand, the reverse complement: TERT is on the minus strand); deleting any 7 consecutive bases within chr5:1,254,389-1,254,397 gives the same sequence; the c. name uses the placement nearest the transcript's 3' end. VCF-style (leftmost placement, unchanged base first): chr5-1254388-AGTGGCAC-A. GRCh37 (hg19) VCF-style: chr5-1254503-AGTGGCAC-A.
Other names: p.Val1090fs; c.3079_3085del, p.Val1027fs (NM_001193376.3); c.3268_3274delGTGCCAC (NM_198253.3); short protein forms V1027fs, V1090fs.
Identifiers: ClinVar variation 1695927 (VCV001695927.1), dbSNP rs2478073438, ClinGen allele CA2580071933.
Genomic context (GRCh38, chr5:1,254,388, plus strand): 5'-TGGGCAGGTGGGGCCCGCACTGGCCTCCACCCACACTTGCCTGTCCTGAGTGACCCCAGG[AGTGGCAC>A]GTAGGTGACACGGTGTCGAGTCAGCTTGAGCAGGAATGCTTGGTGGCACAGCCACTGCAC-3'

ClinVar aggregate classification (germline): Likely risk allele (0 of 4 stars; one submission).

Conditions:
Pulmonary fibrosis. Identifiers: MedGen C0034069, MONDO:0002771, HP:0002206.

Submission:

Garcia Pulmonary Genetics Research Laboratory, Columbia University Irving Medical Center
Classification: Likely risk allele for Pulmonary fibrosis. Last evaluated: 2022-06-09. Review status: no assertion criteria provided. Collection method: research. Allele origin: germline. Affected: yes.
Comment: Leukocyte telomere length (by qPCR) less than 10th percentile age-adjusted